The following is an entry in ClinVar:

ClinVar aggregate classification (germline): Uncertain significance (1 of 4 stars; one submission).

Submission:

CeGaT Center for Human Genetics Tuebingen
Classification: Uncertain significance. Last evaluated: 2022-11-01. Review status: criteria provided, single submitter. Criteria: CeGaT Center For Human Genetics Tuebingen Variant Classification Criteria Version 2. Collection method: clinical testing. Allele origin: germline. Affected: yes. Observed: 1 variant allele.
Comment: SHANK3: PM2, PP2

NM_001372044.2(SHANK3):c.2357G>C (p.Gly786Ala)

Gene: SHANK3 (SH3 and multiple ankyrin repeat domains 3; plus strand). Cytogenetic location: 22q13.33.
Variant type: single nucleotide variant.
Coding change: c.2357G>C on transcript NM_001372044.2 (MANE Select); coding-DNA position 2357, G replaced by C.
Protein change: p.Gly786Ala; replaces glycine 786 with alanine.
Molecular consequence: missense variant.
Genome position (GRCh38, 1-based): chr22:50,711,636, G>C. VCF-style: chr22-50711636-G-C. GRCh37 (hg19) VCF-style: chr22-51150064-G-C.
Other names: c.2132G>C, p.Gly711Ala (NM_033517.1); short protein forms G711A, G786A.
Identifiers: ClinVar variation 2653417 (VCV002653417.24), dbSNP rs2518414569, ClinGen allele CA515257583.
Genomic context (GRCh38, chr22:50,711,636, plus strand): 5'-CTGCCTCTTACTCCCTTTACTCTGTTTCTTGATTCCAAGCCTCCATTCGGAGAAGAAAAG[G>C]GGGTGAGTCATCTGCCTGTGTCCCCAGGGCCTTGGCTTTGCCTGACCCCTGTCTGGGGGA-3'
Protein context (NP_001358973.1, residues 776-796): EELASIRRRK[Gly786Ala]EKLDEMLAAA